The following is an entry in ClinVar:

NM_000268.4(NF2):c.1769C>T (p.Ala590Val)

Gene: NF2 (NF2, moesin-ezrin-radixin like (MERLIN) tumor suppressor; plus strand). Cytogenetic location: 22q12.2.
Variant type: single nucleotide variant.
Coding change: c.1769C>T on transcript NM_000268.4 (MANE Select); coding-DNA position 1769, C replaced by T.
Protein change: p.Ala590Val; replaces alanine 590 with valine.
Molecular consequence: missense variant. On other transcripts: 3 prime UTR variant (5), non-coding transcript variant (1).
Genome position (GRCh38, 1-based): chr22:29,694,783, C>T. VCF-style: chr22-29694783-C-T. GRCh37 (hg19) VCF-style: chr22-30090772-C-T.
Other names: c.*41C>T (NM_016418.5, NM_181828.3, NM_181829.3 and 1 more transcripts); c.*56C>T (NM_181832.3); c.479C>T, p.Ala160Val (NM_181833.3); short protein forms A160V, A590V.
Identifiers: ClinVar variation 999620 (VCV000999620.9), dbSNP rs1246154574, ClinGen allele CA411152287.

ClinVar aggregate classification (germline): Uncertain significance (1 of 4 stars; one submission).

Conditions:
Neurofibromatosis, type 2 (SWNV). Also called: BILATERAL ACOUSTIC NEUROFIBROMATOSIS; SCHWANNOMATOSIS, VESTIBULAR; NF2-Related Schwannomatosis. Identifiers: Orphanet 637, MedGen C0027832, MONDO:0007039, OMIM 101000. Disease mechanism: loss of function.

Allele frequency attached by ClinVar (database versions not stated): gnomAD exomes below 0.00001.
gnomAD v4.1: 2 of 1,613,666 alleles (0.00012%); highest among the groups gnomAD compares: Admixed American, 0.0017%; no homozygotes.

Submission:

Labcorp Genetics (formerly Invitae), Labcorp
Classification: Uncertain significance for Neurofibromatosis, type 2. Last evaluated: 2024-02-23. Review status: criteria provided, single submitter. Criteria: Invitae Variant Classification Sherloc (09022015). Collection method: clinical testing. Allele origin: germline.
Comment: This sequence change replaces alanine, which is neutral and non-polar, with valine, which is neutral and non-polar, at codon 590 of the NF2 protein (p.Ala590Val). This variant is present in population databases (no rsID available, gnomAD 0.003%). This variant has not been reported in the literature in individuals affected with NF2-related conditions. ClinVar contains an entry for this variant (Variation ID: 999620). Advanced modeling of protein sequence and biophysical properties (such as structural, functional, and spatial information, amino acid conservation, physicochemical variation, residue mobility, and thermodynamic stability) performed at Invitae indicates that this missense variant is expected to disrupt NF2 protein function with a positive predictive value of 80%. In summary, the available evidence is currently insufficient to determine the role of this variant in disease. Therefore, it has been classified as a Variant of Uncertain Significance.